The following is an entry in ClinVar:

ClinVar aggregate classification (germline): Uncertain significance (1 of 4 stars; one submission).

Submission:

GeneDx
Classification: Uncertain significance. Last evaluated: 2025-02-12. Review status: criteria provided, single submitter. Criteria: GeneDx Variant Classification Process June 2021. Collection method: clinical testing. Allele origin: germline. Affected: yes.
Comment: Not observed at significant frequency in large population cohorts (gnomAD); In silico analysis supports that this missense variant has a deleterious effect on protein structure/function; Has not been previously published as pathogenic or benign to our knowledge

NM_005120.3(MED12):c.245G>T (p.Arg82Leu)

Gene: MED12 (mediator complex subunit 12; plus strand). Cytogenetic location: Xq13.1.
Variant type: single nucleotide variant.
Coding change: c.245G>T on transcript NM_005120.3 (MANE Select); coding-DNA position 245, G replaced by T.
Protein change: p.Arg82Leu; replaces arginine 82 with leucine.
Molecular consequence: missense variant.
Genome position (GRCh38, 1-based): chrX:71,119,726, G>T. VCF-style: chrX-71119726-G-T. GRCh37 (hg19) VCF-style: chrX-70339576-G-T.
Other names: short protein forms R82L.
Identifiers: ClinVar variation 4075642 (VCV004075642.1).